The following is an entry in ClinVar:

ClinVar aggregate classification (germline): Likely benign (1 of 4 stars; one submission).

Allele frequency attached by ClinVar (database versions not stated): gnomAD 0.00003; TOPMed 0.00003; 1000 Genomes Project 30x 0.00016; 1000 Genomes Project 0.00020.

Submission:

GeneDx
Classification: Likely benign. Last evaluated: 2017-03-24. Review status: criteria provided, single submitter. Criteria: GeneDx Variant Classification (06012015). Collection method: clinical testing. Allele origin: germline. Affected: yes.
Comment: This variant is considered likely benign or benign based on one or more of the following criteria: it is a conservative change, it occurs at a poorly conserved position in the protein, it is predicted to be benign by multiple in silico algorithms, and/or has population frequency not consistent with disease.

NM_001199107.2(TBC1D24):c.-15G>C

Gene: TBC1D24 (TBC1 domain family member 24; plus strand). Cytogenetic location: 16p13.3.
Variant type: single nucleotide variant.
Coding change: c.-15G>C on transcript NM_001199107.2 (MANE Select); 15 bases upstream of the start codon, G replaced by C.
Molecular consequence: 5 prime UTR variant.
Genome position (GRCh38, 1-based): chr16:2,496,134, G>C. VCF-style: chr16-2496134-G-C. GRCh37 (hg19) VCF-style: chr16-2546135-G-C.
Other names: c.-15G>C (NM_020705.3).
Identifiers: ClinVar variation 508425 (VCV000508425.1), dbSNP rs201377976, ClinGen allele CA7843900.
Genomic context (GRCh38, chr16:2,496,134, plus strand): 5'-AGGGGGCTGGAGGATTTAGCCACTCTGTCCTCCCCTTCCGGCAGTCCAGGGCCTCCTCCC[G>C]AGCACAGCGGCGCTATGGACTCTCCAGGATACAACTGCTTCGTGGACAAAGACAAGATGG-3'